The following is an entry in ClinVar:

ClinVar aggregate classification (germline): Uncertain significance. Review status: criteria provided, multiple submitters, no conflicts (2 of 4 stars). 2 submissions from 2 submitters: Uncertain significance (2). Last evaluated 2025-04-03.

Allele frequency attached by ClinVar (database versions not stated): ExAC 0.00002; gnomAD 0.00005; TOPMed 0.00006; ESP Exome Variant Server 0.00015.
gnomAD v4.1: 13 of 1,614,070 alleles (0.00081%); highest among the groups gnomAD compares: African/African-American, 0.0067%; no homozygotes.

Submissions (2):

Ambry Genetics
Classification: Uncertain significance. Last evaluated: 2025-04-03. Review status: criteria provided, single submitter. Criteria: Ambry Variant Classification Scheme 2023. Collection method: clinical testing. Allele origin: germline.

Labcorp Genetics (formerly Invitae), Labcorp
Classification: Uncertain significance. Last evaluated: 2022-09-01. Review status: criteria provided, single submitter. Criteria: Invitae Variant Classification Sherloc (09022015). Collection method: clinical testing. Allele origin: germline.
Comment: This sequence change replaces arginine, which is basic and polar, with glutamine, which is neutral and polar, at codon 579 of the LOXL3 protein (p.Arg579Gln). This variant is present in population databases (rs138622685, gnomAD 0.007%). This variant has not been reported in the literature in individuals affected with LOXL3-related conditions. Algorithms developed to predict the effect of missense changes on protein structure and function (SIFT, PolyPhen-2, Align-GVGD) all suggest that this variant is likely to be disruptive. In summary, the available evidence is currently insufficient to determine the role of this variant in disease. Therefore, it has been classified as a Variant of Uncertain Significance.

NM_032603.5(LOXL3):c.1736G>A (p.Arg579Gln)

Gene: LOXL3 (lysyl oxidase like 3; minus strand). Cytogenetic location: 2p13.1.
Variant type: single nucleotide variant.
Coding change: c.1736G>A on transcript NM_032603.5 (MANE Select); coding-DNA position 1736, G replaced by A.
Protein change: p.Arg579Gln; replaces arginine 579 with glutamine.
Molecular consequence: missense variant.
Genome position (GRCh38, 1-based): chr2:74,534,618, C>T on the plus strand (G>A on the coding strand, the complement: LOXL3 is on the minus strand). VCF-style: chr2-74534618-C-T. GRCh37 (hg19) VCF-style: chr2-74761745-C-T.
Other names: c.1301G>A, p.Arg434Gln (NM_001289164.3); c.653G>A, p.Arg218Gln (NM_001289165.2); c.1736G>A (NM_032603.2); short protein forms R434Q, R218Q, R579Q.
Identifiers: ClinVar variation 2060915 (VCV002060915.2), dbSNP rs138622685, ClinGen allele CA1728813.